The following is an entry in ClinVar:

NM_001024630.4(RUNX2):c.790C>T (p.Gln264Ter)

Gene: RUNX2 (RUNX family transcription factor 2; plus strand). Cytogenetic location: 6p21.1.
Variant type: single nucleotide variant.
Coding change: c.790C>T on transcript NM_001024630.4 (MANE Select); coding-DNA position 790, C replaced by T.
Protein change: p.Gln264Ter; replaces glutamine 264 with a stop codon.
Molecular consequence: nonsense.
Genome position (GRCh38, 1-based): chr6:45,492,045, C>T. VCF-style: chr6-45492045-C-T. GRCh37 (hg19) VCF-style: chr6-45459782-C-T.
Other names: c.790C>T, p.Gln264Ter (NM_001015051.4); c.748C>T, p.Gln250Ter (NM_001278478.2, NM_001369405.1); short protein forms Q250*, Q264*.
Identifiers: ClinVar variation 4807239 (VCV004807239.2).

ClinVar aggregate classification (germline): Pathogenic/Likely pathogenic. Review status: criteria provided, multiple submitters, no conflicts (2 of 4 stars). 2 submissions from 2 submitters: Pathogenic (1); Likely pathogenic (1). Last evaluated 2025-09-30.

Conditions:
RUNX2-related disorder. Also called: RUNX2-related condition.

Submissions (2):

Labcorp Genetics (formerly Invitae), Labcorp
Classification: Pathogenic. Last evaluated: 2025-09-30. Review status: criteria provided, single submitter. Criteria: Invitae Variant Classification Sherloc (09022015). Collection method: clinical testing. Allele origin: germline.
Comment: This sequence change creates a premature translational stop signal (p.Gln264*) in the RUNX2 gene. It is expected to result in an absent or disrupted protein product. Loss-of-function variants in RUNX2 are known to be pathogenic (PMID: 10521292, 11857736). This variant is not present in population databases (gnomAD no frequency). This variant has not been reported in the literature in individuals affected with RUNX2-related conditions. For these reasons, this variant has been classified as Pathogenic.

Blueprint Genetics
Classification: Likely pathogenic for RUNX2-related disorders. Last evaluated: 2023-11-29. Review status: criteria provided, single submitter. Criteria: ACMG Guidelines, 2015. Collection method: clinical testing. Allele origin: germline. Affected: yes. Observed: 1 variant allele.

Literature cited by the submitters: PubMed 10521292 (cited by Labcorp Genetics (formerly Invitae), Labcorp); PubMed 11857736 (cited by Labcorp Genetics (formerly Invitae), Labcorp).